The following is an entry in ClinVar:

NM_006231.4(POLE):c.127A>G (p.Lys43Glu)

Gene: POLE (DNA polymerase epsilon, catalytic subunit; minus strand). Cytogenetic location: 12q24.33.
Variant type: single nucleotide variant.
Coding change: c.127A>G on transcript NM_006231.4 (MANE Select); coding-DNA position 127, A replaced by G.
Protein change: p.Lys43Glu; replaces lysine 43 with glutamic acid.
Molecular consequence: missense variant.
Genome position (GRCh38, 1-based): chr12:132,681,215, T>C on the plus strand (A>G on the coding strand, the complement: POLE is on the minus strand). VCF-style: chr12-132681215-T-C. GRCh37 (hg19) VCF-style: chr12-133257801-T-C.
Other names: c.127A>G (NM_006231.2); short protein forms K43E.
Identifiers: ClinVar variation 935810 (VCV000935810.10), dbSNP rs2043160442, ClinGen allele CA387370187.

ClinVar aggregate classification (germline): Conflicting classifications of pathogenicity. Review status: criteria provided, conflicting classifications (1 of 4 stars). 2 submissions from 2 submitters: Uncertain significance (1); Likely benign (1). Last evaluated 2025-11-17.

Conditions:
Hereditary cancer-predisposing syndrome. Also called: Tumor predisposition; Hereditary neoplastic syndrome; Hereditary Cancer Syndrome; Neoplastic Syndromes, Hereditary. Identifiers: Orphanet 140162, MedGen C0027672, MeSH D009386, MONDO:0015356.

Allele frequency attached by ClinVar (database versions not stated): gnomAD exomes below 0.00001; TOPMed below 0.00001.
gnomAD v4.1: 3 of 1,614,216 alleles (0.00019%); highest among the groups gnomAD compares: Non-Finnish European, 0.00025%; no homozygotes.

Submissions (2):

Labcorp Genetics (formerly Invitae), Labcorp
Classification: Uncertain significance. Last evaluated: 2025-11-17. Review status: criteria provided, single submitter. Criteria: Invitae Variant Classification Sherloc (09022015). Collection method: clinical testing. Allele origin: germline.
Comment: This sequence change replaces lysine, which is basic and polar, with glutamic acid, which is acidic and polar, at codon 43 of the POLE protein (p.Lys43Glu). This variant is not present in population databases (gnomAD no frequency). This variant has not been reported in the literature in individuals affected with POLE-related conditions. ClinVar contains an entry for this variant (Variation ID: 935810). Invitae Evidence Modeling of protein sequence and biophysical properties (such as structural, functional, and spatial information, amino acid conservation, physicochemical variation, residue mobility, and thermodynamic stability) indicates that this missense variant is not expected to disrupt POLE protein function with a negative predictive value of 80%. In summary, the available evidence is currently insufficient to determine the role of this variant in disease. Therefore, it has been classified as a Variant of Uncertain Significance.

Ambry Genetics
Classification: Likely benign for Hereditary cancer-predisposing syndrome. Last evaluated: 2025-01-03. Review status: criteria provided, single submitter. Criteria: Ambry Variant Classification Scheme 2023. Collection method: clinical testing. Allele origin: germline.